The following continues an entry in ClinVar:

NM_000059.4(BRCA2):c.5645C>A (p.Ser1882Ter)

Gene: BRCA2. ClinVar aggregate classification (germline): Pathogenic. Pathogenic (1).

Submissions 9 to 24 of 50:

Ambry Genetics
Classification: Pathogenic for Hereditary cancer-predisposing syndrome. Last evaluated: 2025-04-04. Review status: criteria provided, single submitter. Criteria: Ambry Variant Classification Scheme 2023. Collection method: clinical testing. Allele origin: germline. Not counted in ClinVar's aggregate classification.
Comment: The p.S1882* pathogenic mutation (also known as c.5645C>A), located in coding exon 10 of the BRCA2 gene, results from a C to A substitution at nucleotide position 5645. This changes the amino acid from a serine to a stop codon within coding exon 10. In another study, this alteration was reported as an Eastern European founder mutation (Caputo S et al. Nucleic Acids Res. 2012 Jan;40:D992-1002). This mutation has also been detected in a cohort of affected patients meeting genetic testing criteria for HBOC (Meisel C et al. Arch. Gynecol. Obstet. 2017 May;295:1227-1238), a cohort of patients with metastatic prostate cancer (Pritchard CC et al. N. Engl. J. Med. 2016 Aug;375:443-53), as well as in multiple cohorts of unselected breast cancer patients (Sun J et al. Clin. Cancer Res. 2017 Oct;23:6113-6119; Zhong X et al. PLoS ONE. 2016 Jun;11:e0156789). In a large, clinic-based BRCA1/2 testing cohort in Norway, this variant was detected in 7 members of one family (Heramb C et al. Hered. Cancer Clin. Pract. 2018 Jan;16:3). In addition to the clinical data presented in the literature, this alteration is expected to result in loss of function by premature protein truncation or nonsense-mediated mRNA decay. As such, this alteration is interpreted as a disease-causing mutation.

Institute for Genomic Medicine (IGM) Clinical Laboratory, Nationwide Children's Hospital
Classification: Pathogenic for Hereditary cancer-predisposing syndrome. Last evaluated: 2024-10-14. Review status: criteria provided, single submitter. Criteria: ACMG Guidelines, 2015. Collection method: clinical testing. Allele origin: germline. Not counted in ClinVar's aggregate classification.
Comment: This variant is predicted to result in loss of function through nonsense-mediated decay of the encoded transcript or premature truncation of the encoded protein in a gene in which loss of function is a known mechanism of disease (ACMG/AMP: PVS1; PMIDs:16234499, 20104584). This variant has been reported at an elevated frequency in affected individuals/in multiple affected individuals in the literature (ACMG/AMP: PS4; PMIDs:22666503, 20104584, 27257965, 30287823, 26439132, 27433846, 30274973).

All of Us Research Program, National Institutes of Health
Classification: Pathogenic for BRCA2-related cancer predisposition. Last evaluated: 2024-07-29. Review status: criteria provided, single submitter. Criteria: ACMG Guidelines, 2015. Collection method: clinical testing. Allele origin: germline. Inheritance: Autosomal dominant inheritance. Observed: 2 variant alleles, 2 heterozygotes. Not counted in ClinVar's aggregate classification.
Comment: This variant changes 1 nucleotide in exon 11 of the BRCA2 gene, creating a premature translation stop signal. This variant is expected to result in an absent or non-functional protein product. To our knowledge, functional studies have not been reported for this variant. This variant has been reported in at least 12 individuals affected with breast and/or ovarian cancer (PMID: 15024741, 15689453, 20104584, 22535016, 22666503, 26439132, 27257965, 28039656, 28724667, 30287823, 33471991; Leiden Open Variation Database DB-ID BRCA2_000141) and four individuals affected with prostate cancer (PMID: 27433846, 31214711). This variant also has been reported in two siblings who were compound heterozygous carriers with a second pathogenic BRCA2 variant and were both affected with Wilms tumor (PMID: 15689453). This variant has been identified in 4/249416 chromosomes in the general population by the Genome Aggregation Database (gnomAD). Loss of BRCA2 function is a known mechanism of disease. Based on the available evidence, this variant is classified as Pathogenic.

This study involves interpretation of variants in research participants for the purpose of population health screening. Participant phenotype was not available at the time of variant classification. Additional details can be found in publication PMID: 35346344, PMCID: PMC8962531

Institute of Human Genetics, University of Leipzig Medical Center
Classification: Pathogenic for Familial cancer of breast. Last evaluated: 2024-04-29. Review status: criteria provided, single submitter. Criteria: ACMG Guidelines, 2015. Collection method: clinical testing. Allele origin: unknown. Inheritance: Autosomal dominant inheritance. Affected: yes. Not counted in ClinVar's aggregate classification.
Comment: Criteria applied: PVS1,PM5_STR,PM2_SUP

Baylor Genetics
Classification: Pathogenic for Familial cancer of breast. Last evaluated: 2024-01-14. Review status: criteria provided, single submitter. Criteria: ACMG Guidelines, 2015. Collection method: clinical testing. Allele origin: unknown. Not counted in ClinVar's aggregate classification.

Clinical Genetics Laboratory, Skane University Hospital Lund
Classification: Pathogenic. Last evaluated: 2023-10-02. Review status: criteria provided, single submitter. Criteria: ACMG Guidelines, 2015. Collection method: clinical testing. Allele origin: germline. Affected: yes. Not counted in ClinVar's aggregate classification.

Blueprint Genetics
Classification: Pathogenic for BRCA2-related disorders. Last evaluated: 2023-03-02. Review status: criteria provided, single submitter. Criteria: ACMG Guidelines, 2015. Collection method: clinical testing. Allele origin: de novo. Affected: yes. Observed: 3 variant alleles. Not counted in ClinVar's aggregate classification.

Revvity Omics, Revvity
Classification: Pathogenic. Last evaluated: 2022-12-05. Review status: criteria provided, single submitter. Criteria: ACMG Guidelines, 2015. Collection method: clinical testing. Allele origin: germline. Not counted in ClinVar's aggregate classification.

Institute for Clinical Genetics, University Hospital TU Dresden, University Hospital TU Dresden
Classification: Pathogenic. Last evaluated: 2022-07-29. Review status: criteria provided, single submitter. Criteria: ACMG Guidelines, 2015. Collection method: clinical testing. Allele origin: germline. Not counted in ClinVar's aggregate classification.
Comment: PVS1, PS4, PM2_SUP

Fulgent Genetics
Classification: Pathogenic for Familial cancer of breast; Medulloblastoma; Familial prostate cancer; Wilms tumor 1; Fanconi anemia complementation group D1; Breast-ovarian cancer, familial, susceptibility to, 2; Glioma susceptibility 3; Pancreatic cancer, susceptibility to, 2. Last evaluated: 2022-04-08. Review status: criteria provided, single submitter. Criteria: ACMG Guidelines, 2015. Collection method: clinical testing. Allele origin: unknown. Not counted in ClinVar's aggregate classification.

Research Institute, Aichi Cancer Center
Classification: Pathogenic for Hereditary breast ovarian cancer syndrome. Last evaluated: 2022-02-01. Review status: criteria provided, single submitter. Criteria: ACMG Guidelines, 2015. Collection method: research. Allele origin: germline. Affected: yes. Observed: 2 variant alleles. Not counted in ClinVar's aggregate classification.

Sema4
Classification: Pathogenic for Hereditary cancer-predisposing syndrome. Last evaluated: 2021-12-20. Review status: criteria provided, single submitter. Criteria: Sema4 Curation Guidelines. Collection method: curation. Allele origin: germline. Not counted in ClinVar's aggregate classification.
Comment: The BRCA2 c.5645C>A (p.S1882X) variant has been reported in heterozygosity in several individuals with breast, ovarian, and/or prostate cancer (PMID: 28324225, 22666503, 26439132, 21952622, among others). This nonsense variant creates a premature stop codon at residue 1882 of the BRCA2 protein. Loss of function variants in BRCA2 are known to be pathogenic (PMID: 29446198). This variant was observed in 1/18348 chromosomes in the East Asian subpopulation in the large and broad cohorts of the Genome Aggregation Database (PMID: 32461654). This variant has been reported in ClinVar (Variation ID: 37984). Based on the current evidence available, this variant is interpreted as pathogenic.

Institute of Human Genetics, University of Leipzig Medical Center
Classification: Pathogenic for Breast carcinoma. Last evaluated: 2021-12-10. Review status: criteria provided, single submitter. Criteria: ACMG Guidelines, 2015. Collection method: clinical testing. Allele origin: unknown. Affected: yes. Not counted in ClinVar's aggregate classification.
Comment: _x000D_ Criteria applied: PVS1, PS4, PM2_SUP

GeneDx
Classification: Pathogenic. Last evaluated: 2021-01-19. Review status: criteria provided, single submitter. Criteria: GeneDx Variant Classification Process June 2021. Collection method: clinical testing. Allele origin: germline. Affected: yes. Not counted in ClinVar's aggregate classification.
Comment: Nonsense variant predicted to result in protein truncation or nonsense mediated decay in a gene for which loss-of-function is a known mechanism of disease; Not observed at a significant frequency in large population cohorts (gnomAD); Truncating variants in this gene are considered pathogenic by a well-established clinical consortium and/or database; This variant is associated with the following publications: (PMID: 25682074, 30287823, 30430080, 29339979, 29446198, 30093976, 31263054, 15689453, 10660329, 22144684, 22535016, 22666503, 21952622, 22009639, 26439132, 26221963, 26064523, 25863477, 25802882, 27225637, 25525159, 24916970, 24249303, 27533253, 27836010, 26733283, 27271530, 27767231, 15131399, 26848529, 27433846, 28283652, 28324225, 28259476, 29084914, 28724667, 28993434, 28715532, 29215753, 29659587, 29346284, 30274973, 30078507, 30720243, 30702160, 30322717, 27257965, 32467295, 11597388, 32318955, 31447099, 32853339, 32341426, 31825140, 32710294, 30875412, 33608381, 30787465, 31742824)

GeneKor MSA
Classification: Pathogenic for Hereditary Breast Carcinoma. Last evaluated: 2020-01-01. Review status: criteria provided, single submitter. Criteria: ACMG Guidelines, 2015. Collection method: clinical testing. Allele origin: germline. Affected: yes. Not counted in ClinVar's aggregate classification.
Comment: This variant is a single amino acid change from Serine to a Termination codon at amino acid residue 1882 of the BRCA2 gene. It is expected to result in a truncated, non-functional protein. Truncating variants in the BRCA2 gene are known to be pathogenic. This variant is also known as 5873C>A in the literature and has been described in patients and families with breast, ovarian and prostate cancer (PMID: 22144684, 22535016, 22666503, 21952622, 15024741). The mutation database ClinVar contains entries for this variant (Variation ID: 37984).

Clinical Genetics and Genomics, Karolinska University Hospital
Classification: Pathogenic. Last evaluated: 2019-09-04. Review status: criteria provided, single submitter. Criteria: ACMG Guidelines, 2015. Collection method: clinical testing. Allele origin: germline. Affected: yes. Observed: 2 variant alleles. Not counted in ClinVar's aggregate classification.